The following is an entry in ClinVar:

NM_001927.4(DES):c.1213del (p.Tyr405fs)

Gene: DES (desmin; plus strand). Cytogenetic location: 2q35.
Variant type: Deletion.
Coding change: c.1213del on transcript NM_001927.4 (MANE Select); coding-DNA position 1213, one base deleted (T; older notation c.1213delT).
Protein change: p.Tyr405fs; shifts the reading frame from tyrosine 405.
Molecular consequence: frameshift variant.
Genome position (GRCh38, 1-based): chr2:219,421,529, T deleted. VCF-style (leftmost placement, unchanged base first): chr2-219421528-CT-C. GRCh37 (hg19) VCF-style: chr2-220286250-CT-C.
Other names: c.1213del (LRG_380t1); short protein forms Y405fs.
Identifiers: ClinVar variation 285337 (VCV000285337.11), dbSNP rs886043080, ClinGen allele CA10605083.

ClinVar aggregate classification (germline): Pathogenic. Review status: criteria provided, multiple submitters, no conflicts (2 of 4 stars). 2 submissions from 2 submitters: Pathogenic (2). Last evaluated 2022-02-04.

Conditions:
Desmin-related myofibrillar myopathy (MFM1). Also called: Desmin related myopathy (former name); Desmin storage myopathy (former name); Desminopathy; MYOFIBRILLAR MYOPATHY WITH ARRHYTHMOGENIC RIGHT VENTRICULAR CARDIOMYOPATHY; DESMIN-RELATED MYOPATHY WITH ARRHYTHMOGENIC RIGHT VENTRICULAR CARDIOMYOPATHY; Myofibrillar myopathy 1. Identifiers: Orphanet 363543, Orphanet 98909, MedGen C1832370, MONDO:0011076, OMIM 601419.

Submissions (2):

Labcorp Genetics (formerly Invitae), Labcorp
Classification: Pathogenic for Desmin-related myofibrillar myopathy. Last evaluated: 2022-02-04. Review status: criteria provided, single submitter. Criteria: Invitae Variant Classification Sherloc (09022015). Collection method: clinical testing. Allele origin: germline.
Comment: ClinVar contains an entry for this variant (Variation ID: 285337). This sequence change creates a premature translational stop signal (p.Tyr405Thrfs*42) in the DES gene. It is expected to result in an absent or disrupted protein product. Loss-of-function variants in DES are known to be pathogenic (PMID: 23575897). This variant is not present in population databases (gnomAD no frequency). This variant has not been reported in the literature in individuals affected with DES-related conditions. For these reasons, this variant has been classified as Pathogenic.

Eurofins Ntd Llc (ga)
Classification: Pathogenic. Last evaluated: 2015-12-22. Review status: criteria provided, single submitter. Criteria: EGL Classification Definitions 2015. Collection method: clinical testing. Allele origin: germline. Observed: 1 variant allele, 1 heterozygote.

Literature cited by the submitters: PubMed 23575897 (cited by Labcorp Genetics (formerly Invitae), Labcorp).